The following is an entry in ClinVar:

ClinVar aggregate classification (germline): Uncertain significance (1 of 4 stars; one submission).

Conditions:
Cardiovascular phenotype. Identifiers: MedGen CN230736.

Allele frequency attached by ClinVar (database versions not stated): gnomAD exomes below 0.00001.
gnomAD v4.1: 1 of 1,614,140 alleles (0.000062%); highest among the groups gnomAD compares: East Asian, 0.0022%; no homozygotes.

Submission:

Ambry Genetics
Classification: Uncertain significance for Cardiovascular phenotype. Last evaluated: 2020-07-10. Review status: criteria provided, single submitter. Criteria: Ambry Variant Classification Scheme 2023. Collection method: clinical testing. Allele origin: germline.
Comment: The p.D725H variant (also known as c.2173G>C), located in coding exon 16 of the TRPM4 gene, results from a G to C substitution at nucleotide position 2173. The aspartic acid at codon 725 is replaced by histidine, an amino acid with similar properties. This amino acid position is highly conserved in available vertebrate species. In addition, this alteration is predicted to be tolerated by in silico analysis. Since supporting evidence is limited at this time, the clinical significance of this alteration remains unclear.

NM_017636.4(TRPM4):c.2173G>C (p.Asp725His)

Gene: TRPM4 (transient receptor potential cation channel subfamily M member 4; plus strand). Cytogenetic location: 19q13.33.
Variant type: single nucleotide variant.
Coding change: c.2173G>C on transcript NM_017636.4 (MANE Select); coding-DNA position 2173, G replaced by C.
Protein change: p.Asp725His; replaces aspartic acid 725 with histidine.
Molecular consequence: missense variant.
Genome position (GRCh38, 1-based): chr19:49,190,736, G>C. VCF-style: chr19-49190736-G-C. GRCh37 (hg19) VCF-style: chr19-49693993-G-C.
Other names: c.2173G>C, p.Asp725His (NM_001195227.2); c.1828G>C, p.Asp610His (NM_001321281.2); c.565G>C, p.Asp189His (NM_001321282.2); c.1651G>C, p.Asp551His (NM_001321283.2); c.1111G>C, p.Asp371His (NM_001321285.2); short protein forms D371H, D725H, D189H, D551H, D610H.
Identifiers: ClinVar variation 1787140 (VCV001787140.2), dbSNP rs2514153532, ClinGen allele CA406806176.
Genomic context (GRCh38, chr19:49,190,736, plus strand): 5'-TGTGCTTCCCCCCTTGCTAGGAAATCAGAAGAGGAGCCCACACGGGAGGAGCTAGAGTTT[G>C]ACATGGATAGTGTCATTAATGGGGAAGGGCCTGTCGGGTGAGTGGAGCCTCCAGCACTGT-3'
Protein context (NP_060106.2, residues 715-735): EEPTREELEF[Asp725His]MDSVINGEGP